The following is an entry in ClinVar:

ClinVar aggregate classification (germline): Conflicting classifications of pathogenicity. Review status: criteria provided, conflicting classifications (1 of 4 stars). 5 submissions from 5 submitters: Uncertain significance (4); Likely benign (1). Last evaluated 2025-04-06.

Conditions:
Marfan syndrome (MFS). Also called: Marfan's syndrome; Marfan syndrome, classic; MARFAN SYNDROME, TYPE I; Marfan syndrome type 1; FBN1-Related Marfan Syndrome. Identifiers: Orphanet 284963, Orphanet 558, MedGen C0024796, MONDO:0007947, OMIM 154700.
Familial thoracic aortic aneurysm and aortic dissection (TAAD). Also called: Thoracic aortic aneurysms and dissections. Identifiers: Orphanet 91387, MedGen C4707243, MONDO:0019625.

Allele frequency attached by ClinVar (database versions not stated): gnomAD exomes 0.00001; TOPMed below 0.00001; ExAC 0.00001.
gnomAD v4.1: 8 of 1,614,256 alleles (0.0005%); highest among the groups gnomAD compares: Non-Finnish European, 0.00068%; no homozygotes.

Submissions (5):

Color Diagnostics, LLC DBA Color Health
Classification: Uncertain significance for Familial thoracic aortic aneurysm and aortic dissection. Last evaluated: 2025-04-06. Review status: criteria provided, single submitter. Criteria: ACMG Guidelines, 2015. Collection method: clinical testing. Allele origin: germline.
Comment: This missense variant replaces proline with serine at codon 2700 of the FBN1 protein. Computational prediction suggests that this variant may not impact protein structure and function. To our knowledge, functional studies have not been reported for this variant. This variant has not been reported in individuals affected with FBN1-related disorders in the literature. This variant has been identified in 2/251428 chromosomes in the general population by the Genome Aggregation Database (gnomAD). The available evidence is insufficient to determine the role of this variant in disease conclusively. Therefore, this variant is classified as a Variant of Uncertain Significance.

Labcorp Genetics (formerly Invitae), Labcorp
Classification: Likely benign for Marfan syndrome; Familial thoracic aortic aneurysm and aortic dissection. Last evaluated: 2025-03-29. Review status: criteria provided, single submitter. Criteria: Invitae Variant Classification Sherloc (09022015). Collection method: clinical testing. Allele origin: germline.

All of Us Research Program, National Institutes of Health
Classification: Uncertain significance for Marfan syndrome. Last evaluated: 2023-06-28. Review status: criteria provided, single submitter. Criteria: ACMG Guidelines, 2015. Collection method: clinical testing. Allele origin: germline. Inheritance: Autosomal dominant inheritance. Observed: 1 variant allele, 1 heterozygote.
Comment: This study involves interpretation of variants in research participants for the purpose of population health screening. Participant phenotype was not available at the time of variant classification. Additional details can be found in publication PMID: 35346344, PMCID: PMC8962531

Mayo Clinic Laboratories, Mayo Clinic
Classification: Uncertain significance. Last evaluated: 2022-07-12. Review status: criteria provided, single submitter. Criteria: ACMG Guidelines, 2015. Collection method: clinical testing. Allele origin: germline. Observed: 1 variant allele.
Comment: BP4, PP2

Ambry Genetics
Classification: Uncertain significance for Familial thoracic aortic aneurysm and aortic dissection. Last evaluated: 2021-09-08. Review status: criteria provided, single submitter. Criteria: Ambry Variant Classification Scheme 2023. Collection method: clinical testing. Allele origin: germline.
Comment: The p.P2700S variant (also known as c.8098C>T), located in coding exon 64 of the FBN1 gene, results from a C to T substitution at nucleotide position 8098. The proline at codon 2700 is replaced by serine, an amino acid with similar properties. This amino acid position is well conserved in available vertebrate species. In addition, this alteration is predicted to be tolerated by in silico analysis. Since supporting evidence is limited at this time, the clinical significance of this alteration remains unclear.

NM_000138.5(FBN1):c.8098C>T (p.Pro2700Ser)

Gene: FBN1 (fibrillin 1; minus strand). Cytogenetic location: 15q21.1.
Variant type: single nucleotide variant.
Coding change: c.8098C>T on transcript NM_000138.5 (MANE Select); coding-DNA position 8098, C replaced by T.
Protein change: p.Pro2700Ser; replaces proline 2700 with serine.
Molecular consequence: missense variant.
Genome position (GRCh38, 1-based): chr15:48,412,697, G>A on the plus strand (C>T on the coding strand, the complement: FBN1 is on the minus strand). VCF-style: chr15-48412697-G-A. GRCh37 (hg19) VCF-style: chr15-48704894-G-A.
Other names: p.Pro2700Ser; c.8098C>T, p.Pro2700Ser (NM_001406716.1); short protein forms P2700S.
Identifiers: ClinVar variation 1761971 (VCV001761971.8), dbSNP rs757331255, ClinGen allele CA059621.